The following is an entry in ClinVar:

NM_004991.4(MECOM):c.2225T>A (p.Phe742Tyr)

Gene: MECOM (MDS1 and EVI1 complex locus; minus strand). Cytogenetic location: 3q26.2.
Variant type: single nucleotide variant.
Coding change: c.2225T>A on transcript NM_004991.4 (MANE Select); coding-DNA position 2225, T replaced by A.
Protein change: p.Phe742Tyr; replaces phenylalanine 742 with tyrosine.
Molecular consequence: missense variant.
Genome position (GRCh38, 1-based): chr3:169,115,647, A>T on the plus strand (T>A on the coding strand, the complement: MECOM is on the minus strand). VCF-style: chr3-169115647-A-T. GRCh37 (hg19) VCF-style: chr3-168833435-A-T.
Other names: c.1856T>A, p.Phe619Tyr (NM_001105077.4); c.1661T>A, p.Phe554Tyr (NM_001105078.4, NM_001164000.2, NM_001205194.2 and 4 more transcripts); c.1664T>A, p.Phe555Tyr (NM_001163999.2, NM_001366467.2, NM_001366468.2 and 1 more transcripts); c.2225T>A, p.Phe742Tyr (NM_001366466.2); c.1253T>A, p.Phe418Tyr (NM_001366473.2); c.689T>A, p.Phe230Tyr (NM_001366474.2); short protein forms F230Y, F554Y, F555Y, F619Y, F742Y, F418Y.
Identifiers: ClinVar variation 3871623 (VCV003871623.1).

ClinVar aggregate classification (germline): Uncertain significance (1 of 4 stars; one submission).

Conditions:
Inborn genetic diseases. Identifiers: MedGen C0950123, MeSH D030342.

gnomAD v4.1: 2 of 1,614,122 alleles (0.00012%); highest among the groups gnomAD compares: Non-Finnish European, 0.00017%; no homozygotes.

Submission:

Ambry Genetics
Classification: Uncertain significance for Inborn genetic diseases. Last evaluated: 2024-12-16. Review status: criteria provided, single submitter. Criteria: Ambry Variant Classification Scheme 2023. Collection method: clinical testing. Allele origin: germline.
Comment: The p.F742Y variant (also known as c.2225T>A), located in coding exon 8 of the MECOM gene, results from a T to A substitution at nucleotide position 2225. The phenylalanine at codon 742 is replaced by tyrosine, an amino acid with highly similar properties. This amino acid position is conserved. In addition, the in silico prediction for this alteration is inconclusive. Based on the available evidence, the clinical significance of this variant remains unclear.